The following is an entry in ClinVar:

ClinVar aggregate classification (germline): Uncertain significance (1 of 4 stars; one submission).

Conditions:
Familial thoracic aortic aneurysm and aortic dissection (TAAD). Also called: Thoracic aortic aneurysms and dissections. Identifiers: Orphanet 91387, MedGen C4707243, MONDO:0019625.

Submission:

Ambry Genetics
Classification: Uncertain significance for Familial thoracic aortic aneurysm and aortic dissection. Last evaluated: 2026-06-25. Review status: criteria provided, single submitter. Criteria: Ambry Variant Classification Scheme 2023. Collection method: clinical testing. Allele origin: germline.
Comment: The p.L1364V variant (also known as c.4090C>G), located in coding exon 33 of the FBN1 gene, results from a C to G substitution at nucleotide position 4090. The leucine at codon 1364 is replaced by valine, an amino acid with highly similar properties. This amino acid position is conserved. In addition, this alteration is predicted to be tolerated by in silico analysis. Based on the available evidence, the clinical significance of this variant remains unclear.

NM_000138.5(FBN1):c.4090C>G (p.Leu1364Val)

Gene: FBN1 (fibrillin 1; minus strand). Cytogenetic location: 15q21.1.
Variant type: single nucleotide variant.
Coding change: c.4090C>G on transcript NM_000138.5 (MANE Select); coding-DNA position 4090, C replaced by G.
Protein change: p.Leu1364Val; replaces leucine 1364 with valine.
Molecular consequence: missense variant.
Genome position (GRCh38, 1-based): chr15:48,474,375, G>C on the plus strand (C>G on the coding strand, the complement: FBN1 is on the minus strand). VCF-style: chr15-48474375-G-C. GRCh37 (hg19) VCF-style: chr15-48766572-G-C.
Other names: c.4090C>G, p.Leu1364Val (NM_001406716.1); short protein forms L1364V.
Identifiers: ClinVar variation 5021574 (VCV005021574.1).
Genomic context (GRCh38, chr15:48,474,375, plus strand): 5'-TGGTATTCTTGCAGTCTGCATGCTGGCTGCACATATGGGTTCCATTGGAACATTCGTCCA[G>C]ATCTTATAGAAAAAGGTTATATCATTATTAACAGAAAGGGTGGTATTTAAAACCAATAAT-3'
Protein context (NP_000129.3, residues 1354-1374): WIGDGIKCTD[Leu1364Val]DECSNGTHMC